The following is an entry in ClinVar:

NM_001734.5(C1S):c.620G>A (p.Arg207Gln)

Gene: C1S (complement C1s; plus strand). Cytogenetic location: 12p13.31.
Variant type: single nucleotide variant.
Coding change: c.620G>A on transcript NM_001734.5 (MANE Select); coding-DNA position 620, G replaced by A.
Protein change: p.Arg207Gln; replaces arginine 207 with glutamine.
Molecular consequence: missense variant.
Genome position (GRCh38, 1-based): chr12:7,065,202, G>A. VCF-style: chr12-7065202-G-A. GRCh37 (hg19) VCF-style: chr12-7172506-G-A.
Other names: c.119G>A, p.Arg40Gln (NM_001346850.2); c.620G>A, p.Arg207Gln (NM_201442.4); c.620G>A (NM_201442.2); short protein forms R40Q, R207Q.
Identifiers: ClinVar variation 1447551 (VCV001447551.8), dbSNP rs140368637, ClinGen allele CA6423509.

ClinVar aggregate classification (germline): Uncertain significance. Review status: criteria provided, multiple submitters, no conflicts (2 of 4 stars). 3 submissions from 3 submitters: Uncertain significance (3). Last evaluated 2025-12-20.

Conditions:
Inborn genetic diseases. Identifiers: MedGen C0950123, MeSH D030342.

Allele frequency attached by ClinVar (database versions not stated): gnomAD exomes 0.00003 and 0.00005; ExAC 0.00004; gnomAD 0.00009 and 0.00010; TOPMed 0.00009; ESP Exome Variant Server 0.00031.
gnomAD v4.1: 56 of 1,613,838 alleles (0.0035%); highest among the groups gnomAD compares: South Asian, 0.02%; no homozygotes.

Submissions (3):

Labcorp Genetics (formerly Invitae), Labcorp
Classification: Uncertain significance. Last evaluated: 2025-12-20. Review status: criteria provided, single submitter. Criteria: Invitae Variant Classification Sherloc (09022015). Collection method: clinical testing. Allele origin: germline.
Comment: This sequence change replaces arginine, which is basic and polar, with glutamine, which is neutral and polar, at codon 207 of the C1S protein (p.Arg207Gln). This variant is present in population databases (rs140368637, gnomAD 0.02%). This variant has not been reported in the literature in individuals affected with C1S-related conditions. ClinVar contains an entry for this variant (Variation ID: 1447551). Invitae Evidence Modeling of protein sequence and biophysical properties (such as structural, functional, and spatial information, amino acid conservation, physicochemical variation, residue mobility, and thermodynamic stability) indicates that this missense variant is not expected to disrupt C1S protein function with a negative predictive value of 80%. In summary, the available evidence is currently insufficient to determine the role of this variant in disease. Therefore, it has been classified as a Variant of Uncertain Significance.

Women's Health and Genetics/Laboratory Corporation of America, LabCorp
Classification: Uncertain significance. Last evaluated: 2025-11-19. Review status: criteria provided, single submitter. Criteria: LabCorp Variant Classification Summary - May 2015. Collection method: clinical testing. Allele origin: germline.
Comment: Variant summary: C1S c.620G>A (p.Arg207Gln) results in a conservative amino acid change in the encoded protein sequence. Algorithms developed to predict the effect of missense changes on protein structure and function all suggest that this variant is likely to be tolerated. The variant allele was found at a frequency of 5.2e-05 in 251470 control chromosomes. This frequency is not significantly higher than estimated for disease-causing variants in C1S, allowing no conclusion about variant significance. To our knowledge, no occurrence of c.620G>A in individuals affected with C1S-related conditions and no experimental evidence demonstrating its impact on protein function have been reported. ClinVar contains an entry for this variant (Variation ID: 1447551). Based on the evidence outlined above, the variant was classified as uncertain significance.

Ambry Genetics
Classification: Uncertain significance for Inborn genetic diseases. Last evaluated: 2022-01-26. Review status: criteria provided, single submitter. Criteria: Ambry Variant Classification Scheme 2023. Collection method: clinical testing. Allele origin: germline.